The following is an entry in ClinVar:

ClinVar aggregate classification (germline): Conflicting classifications of pathogenicity. Review status: criteria provided, conflicting classifications (1 of 4 stars). 2 submissions from 2 submitters: Likely pathogenic (1); Uncertain significance (1). Last evaluated 2025-07-06.

Submissions (2):

GeneDx
Classification: Uncertain significance. Last evaluated: 2025-07-06. Review status: criteria provided, single submitter. Criteria: GeneDx Variant Classification Process June 2021. Collection method: clinical testing. Allele origin: germline. Affected: yes.
Comment: Not observed at significant frequency in large population cohorts (gnomAD); In silico analysis supports that this missense variant has a deleterious effect on protein structure/function; Has not been previously published as pathogenic or benign to our knowledge

Labcorp Genetics (formerly Invitae), Labcorp
Classification: Likely pathogenic. Last evaluated: 2024-12-17. Review status: criteria provided, single submitter. Criteria: Invitae Variant Classification Sherloc (09022015). Collection method: clinical testing. Allele origin: germline.
Comment: This sequence change replaces glycine, which is neutral and non-polar, with arginine, which is basic and polar, at codon 73 of the COL4A1 protein (p.Gly73Arg). This variant is not present in population databases (gnomAD no frequency). This variant has not been reported in the literature in individuals affected with COL4A1-related conditions. Invitae Evidence Modeling of protein sequence and biophysical properties (such as structural, functional, and spatial information, amino acid conservation, physicochemical variation, residue mobility, and thermodynamic stability) indicates that this missense variant is expected to disrupt COL4A1 protein function with a positive predictive value of 95%. This variant disrupts the triple helix domain of COL4A1. Glycine residues within the Gly-Xaa-Yaa repeats of the triple helix domain are required for the structure and stability of fibrillar collagens (PMID: 7695699, 8218237, 19344236). In COL4A1 variants affecting these glycine residues are significantly enriched in individuals with disease (PMID: 9016532, 17078022) compared to the general population (ExAC). In summary, the currently available evidence indicates that the variant is pathogenic, but additional data are needed to prove that conclusively. Therefore, this variant has been classified as Likely Pathogenic.

Literature cited by the submitters: PubMed 7695699 (cited by Labcorp Genetics (formerly Invitae), Labcorp); PubMed 8218237 (cited by Labcorp Genetics (formerly Invitae), Labcorp); PubMed 19344236 (cited by Labcorp Genetics (formerly Invitae), Labcorp); PubMed 9016532 (cited by Labcorp Genetics (formerly Invitae), Labcorp); PubMed 17078022 (cited by Labcorp Genetics (formerly Invitae), Labcorp).

NM_001845.6(COL4A1):c.217G>A (p.Gly73Arg)

Gene: COL4A1 (collagen type IV alpha 1 chain; minus strand). Cytogenetic location: 13q34.
Variant type: single nucleotide variant.
Coding change: c.217G>A on transcript NM_001845.6 (MANE Select); coding-DNA position 217, G replaced by A.
Protein change: p.Gly73Arg; replaces glycine 73 with arginine.
Molecular consequence: missense variant.
Genome position (GRCh38, 1-based): chr13:110,213,943, C>T on the plus strand (G>A on the coding strand, the complement: COL4A1 is on the minus strand). VCF-style: chr13-110213943-C-T. GRCh37 (hg19) VCF-style: chr13-110866290-C-T.
Other names: c.217G>A (NM_001845.4); c.217G>A, p.Gly73Arg (NM_001303110.2); short protein forms G73R.
Identifiers: ClinVar variation 3691513 (VCV003691513.3).